The following is an entry in ClinVar:

ClinVar aggregate classification (germline): Likely pathogenic (1 of 4 stars; one submission).

Conditions:
Succinate-semialdehyde dehydrogenase deficiency (SSADHD). Also called: Succinic Semialdehyde Dehydrogenase Deficiency; SSADH DEFICIENCY; 4-HYDROXYBUTYRIC ACIDURIA; GABA METABOLIC DEFECT. Identifiers: Orphanet 22, MedGen C0268631, MONDO:0010083, OMIM 271980.

Submission:

Elsea Laboratory, Baylor College of Medicine
Classification: Likely pathogenic for Succinate-semialdehyde dehydrogenase deficiency. Last evaluated: 2021-03-08. Review status: criteria provided, single submitter. Criteria: Martin et al. (J Child Neurol. 2021). Collection method: curation. Allele origin: germline. Affected: yes.
Comment: NAD binding domain

Literature cited by the submitters: PubMed 33203024.

NM_001080.3(ALDH5A1):c.653C>A (p.Ala218Asp)

Gene: ALDH5A1 (aldehyde dehydrogenase 5 family member A1; plus strand). Cytogenetic location: 6p22.3.
Variant type: single nucleotide variant.
Coding change: c.653C>A on transcript NM_001080.3 (MANE Select); coding-DNA position 653, C replaced by A.
Protein change: p.Ala218Asp; replaces alanine 218 with aspartic acid.
Molecular consequence: missense variant.
Genome position (GRCh38, 1-based): chr6:24,504,912, C>A. VCF-style: chr6-24504912-C-A. GRCh37 (hg19) VCF-style: chr6-24505140-C-A.
Other names: c.653C>A, p.Ala218Asp (NM_001368954.1, NM_170740.1); short protein forms A218D.
Identifiers: ClinVar variation 1878462 (VCV001878462.3), dbSNP rs2532835685, ClinGen allele CA362970065.
Genomic context (GRCh38, chr6:24,504,912, plus strand): 5'-TGCTCTTCTAACCCCAGTGGAATTTCCCCAGTGCCATGATCACCCGGAAGGTGGGGGCCG[C>A]CCTGGCAGCCGGCTGTACTGTCGTGGTGAAGCCTGCCGAAGACACGCCCTTCTCCGCCCT-3'
Protein context (NP_001071.1, residues 208-228): SAMITRKVGA[Ala218Asp]LAAGCTVVVK